The following is an entry in ClinVar:

NM_017739.4(POMGNT1):c.236-7C>G

Gene: POMGNT1 (protein O-linked mannose N-acetylglucosaminyltransferase 1 (beta 1,2-); minus strand). Cytogenetic location: 1p34.1.
Variant type: single nucleotide variant.
Coding change: c.236-7C>G on transcript NM_017739.4 (MANE Select); 7 bases into the intron before coding-DNA position 236, C replaced by G.
Molecular consequence: intron variant.
Genome position (GRCh38, 1-based): chr1:46,196,856, G>C on the plus strand (C>G on the coding strand, the complement: POMGNT1 is on the minus strand). VCF-style: chr1-46196856-G-C. GRCh37 (hg19) VCF-style: chr1-46662528-G-C.
Other names: c.236-7C>G (NM_001243766.2, NM_001438686.1, NM_001438688.1 and 3 more transcripts); c.170-7C>G (NM_001290129.3, NM_001438691.1, NM_001438692.1); c.-194-7C>G (NM_001290130.2).
Identifiers: ClinVar variation 1698329 (VCV001698329.2), dbSNP rs1405373316, ClinGen allele CA522811921.
Genomic context (GRCh38, chr1:46,196,856, plus strand): 5'-GCCGGGGACCACTGCCTCTGCGCCGTGGGGGCTCCAGGCGGCCTAGGGCCTCATCTGTGG[G>C]GTACAACAGGTCATGGAGATAGTCTCCTCAGCAGAGTCTCACCGCTTAGGGTCTGCCTGC-3'

ClinVar aggregate classification (germline): Uncertain significance (1 of 4 stars; one submission).

Allele frequency attached by ClinVar (database versions not stated): gnomAD exomes below 0.00001.
gnomAD v4.1: 6 of 1,613,966 alleles (0.00037%); highest among the groups gnomAD compares: Non-Finnish European, 0.00051%; no homozygotes.

Submission:

GeneDx
Classification: Uncertain significance. Last evaluated: 2022-01-25. Review status: criteria provided, single submitter. Criteria: GeneDx Variant Classification Process June 2021. Collection method: clinical testing. Allele origin: germline. Affected: yes.
Comment: Not observed at significant frequency in large population cohorts (gnomAD); In-silico analysis is inconclusive as to whether the variant alters gene splicing. In the absence of RNA/functional studies, the actual effect of this sequence change is unknown.; Has not been previously published as pathogenic or benign to our knowledge